The following is an entry in ClinVar:

NM_152594.3(SPRED1):c.662G>A (p.Gly221Glu)

Gene: SPRED1 (sprouty related EVH1 domain containing 1; plus strand). Cytogenetic location: 15q14.
Variant type: single nucleotide variant.
Coding change: c.662G>A on transcript NM_152594.3 (MANE Select); coding-DNA position 662, G replaced by A.
Protein change: p.Gly221Glu; replaces glycine 221 with glutamic acid.
Molecular consequence: missense variant.
Genome position (GRCh38, 1-based): chr15:38,349,501, G>A. VCF-style: chr15-38349501-G-A. GRCh37 (hg19) VCF-style: chr15-38641702-G-A.
Other names: short protein forms G221E.
Identifiers: ClinVar variation 4615005 (VCV004615005.1).
Genomic context (GRCh38, chr15:38,349,501, plus strand): 5'-GCTTGGACATTCAGAGCAGAAGTATGGAATACGTACAGCGGCAAATATCCAAGGAATGTG[G>A]AAGCCTAAAGTCCCAAAATAGGGTAAGTAATGTTAGTTTATCTTGTGATATGGAATTTAA-3'
Protein context (NP_689807.1, residues 211-231): YVQRQISKEC[Gly221Glu]SLKSQNRVPL

ClinVar aggregate classification (germline): Uncertain significance (1 of 4 stars; one submission).

Conditions:
Cardiovascular phenotype. Identifiers: MedGen CN230736.

Submission:

Ambry Genetics
Classification: Uncertain significance for Cardiovascular phenotype. Last evaluated: 2025-09-18. Review status: criteria provided, single submitter. Criteria: Ambry Variant Classification Scheme 2023. Collection method: clinical testing. Allele origin: germline.
Comment: The p.G221E variant (also known as c.662G>A), located in coding exon 6 of the SPRED1 gene, results from a G to A substitution at nucleotide position 662. The glycine at codon 221 is replaced by glutamic acid, an amino acid with similar properties. This amino acid position is conserved. In addition, the in silico prediction for this alteration is inconclusive. Based on the available evidence, the clinical significance of this variant remains unclear.